The following is an entry in ClinVar:

NM_017986.4(SLC52A1):c.209A>G (p.Gln70Arg)

Gene: SLC52A1 (solute carrier family 52 member 1; minus strand). Cytogenetic location: 17p13.2.
Variant type: single nucleotide variant.
Coding change: c.209A>G on transcript NM_017986.4 (MANE Select); coding-DNA position 209, A replaced by G.
Protein change: p.Gln70Arg; replaces glutamine 70 with arginine.
Molecular consequence: missense variant.
Genome position (GRCh38, 1-based): chr17:5,034,280, T>C on the plus strand (A>G on the coding strand, the complement: SLC52A1 is on the minus strand). VCF-style: chr17-5034280-T-C. GRCh37 (hg19) VCF-style: chr17-4937575-T-C.
Other names: p.Gln70Arg; c.209A>G, p.Gln70Arg (NM_001104577.2); c.209A>G (NM_001104577.1); short protein forms Q70R.
Identifiers: ClinVar variation 684048 (VCV000684048.15), dbSNP rs346822, ClinGen allele CA8319845.

ClinVar aggregate classification (germline): Benign. Review status: criteria provided, multiple submitters, no conflicts (2 of 4 stars). 5 submissions from 5 submitters: Benign (5). Last evaluated 2026-02-04.

Conditions:
Vitamin B2 deficiency. Identifiers: MedGen C0035528.
Ariboflavinosis. Identifiers: MedGen C5779638, MONDO:0004573, OMIM 615026.

Allele frequency attached by ClinVar (database versions not stated): ExAC 0.94012; TOPMed 0.95044; gnomAD exomes 0.94128 and 0.94982; ESP Exome Variant Server 0.95502; 1000 Genomes Project 0.92352; gnomAD 0.95119 and 0.95470; 1000 Genomes Project 30x 0.92879.
gnomAD v4.1: 1,527,339 of 1,608,492 alleles (95%); highest among the groups gnomAD compares: Admixed American, 96%; 725,914 homozygotes.

Submissions (5):

Labcorp Genetics (formerly Invitae), Labcorp
Classification: Benign for Vitamin B2 deficiency. Last evaluated: 2026-02-04. Review status: criteria provided, single submitter. Criteria: Invitae Variant Classification Sherloc (09022015). Collection method: clinical testing. Allele origin: germline.

Mayo Clinic Laboratories, Mayo Clinic
Classification: Benign. Last evaluated: 2022-04-26. Review status: criteria provided, single submitter. Criteria: ACMG Guidelines, 2015. Collection method: clinical testing. Allele origin: germline. Observed: 82 variant alleles.

Genome-Nilou Lab
Classification: Benign for Ariboflavinosis. Last evaluated: 2021-07-15. Review status: criteria provided, single submitter. Criteria: ACMG Guidelines, 2015. Collection method: clinical testing. Allele origin: germline. Affected: no.

GeneDx
Classification: Benign. Last evaluated: 2018-06-13. Review status: criteria provided, single submitter. Criteria: GeneDx Variant Classification (06012015). Collection method: clinical testing. Allele origin: germline. Affected: yes.
Comment: This variant is considered likely benign or benign based on one or more of the following criteria: it is a conservative change, it occurs at a poorly conserved position in the protein, it is predicted to be benign by multiple in silico algorithms, and/or has population frequency not consistent with disease.

Breakthrough Genomics
Classification: Benign. Review status: criteria provided, single submitter. Criteria: ACMG Guidelines, 2015. Collection method: not provided. Allele origin: germline. Inheritance: Autosomal dominant inheritance. Affected: yes.